The following is an entry in ClinVar:

NM_000070.3(CAPN3):c.1045G>C (p.Glu349Gln)

Gene: CAPN3 (calpain 3; plus strand). Cytogenetic location: 15q15.1.
Variant type: single nucleotide variant.
Coding change: c.1045G>C on transcript NM_000070.3 (MANE Select); coding-DNA position 1045, G replaced by C.
Protein change: p.Glu349Gln; replaces glutamic acid 349 with glutamine.
Molecular consequence: missense variant.
Genome position (GRCh38, 1-based): chr15:42,394,271, G>C. VCF-style: chr15-42394271-G-C. GRCh37 (hg19) VCF-style: chr15-42686469-G-C.
Other names: c.1045G>C, p.Glu349Gln (NM_024344.2); c.901G>C, p.Glu301Gln (NM_173087.2); short protein forms E349Q, E301Q.
Identifiers: ClinVar variation 315895 (VCV000315895.18), dbSNP rs146403258, ClinGen allele CA7511234.

ClinVar aggregate classification (germline): Conflicting classifications of pathogenicity. Review status: criteria provided, conflicting classifications (1 of 4 stars). 3 submissions from 3 submitters: Uncertain significance (2); Likely benign (1). Last evaluated 2026-01-11.

Conditions:
Autosomal recessive limb-girdle muscular dystrophy type 2A (LGMDR1). Also called: LEYDEN-MOEBIUS MUSCULAR DYSTROPHY; MUSCULAR DYSTROPHY, PELVOFEMORAL; Limb-girdle muscular dystrophy, type 2A; Muscular dystrophy, limb-girdle, type 2A, Amish; Calpainopathy. Identifiers: Orphanet 267, MedGen C1869123, MONDO:0009675, OMIM 253600. Disease mechanism: loss of function.

Allele frequency attached by ClinVar (database versions not stated): gnomAD exomes 0.00005 and 0.00017; gnomAD 0.00007 and 0.00008; TOPMed 0.00007; ESP Exome Variant Server 0.00008; ExAC 0.00027.
gnomAD v4.1: 88 of 1,559,430 alleles (0.0056%); highest among the groups gnomAD compares: Admixed American, 0.0039%; no homozygotes.

Submissions (3):

Labcorp Genetics (formerly Invitae), Labcorp
Classification: Likely benign for Autosomal recessive limb-girdle muscular dystrophy type 2A. Last evaluated: 2026-01-11. Review status: criteria provided, single submitter. Criteria: Invitae Variant Classification Sherloc (09022015). Collection method: clinical testing. Allele origin: germline.

Illumina Laboratory Services, Illumina
Classification: Uncertain significance for Limb-girdle muscular dystrophy, type 2A. Last evaluated: 2018-01-13. Review status: criteria provided, single submitter. Criteria: ICSL Variant Classification Criteria 13 December 2019. Collection method: clinical testing. Allele origin: germline.

GeneDx
Classification: Uncertain significance. Last evaluated: 2016-10-21. Review status: criteria provided, single submitter. Criteria: GeneDx Variant Classification (06012015). Collection method: clinical testing. Allele origin: germline. Affected: yes.
Comment: The E349Q variant has not been published as a pathogenic variant, nor has it been reported as a benign variant to our knowledge. It was not observed with any significant frequency in approximately 6,500 individuals of European and African American ancestry in the NHLBI Exome Sequencing Project. The E349Q variant is a semi-conservative amino acid substitution, which may impact secondary protein structure as these residues differ in some properties. This substitution occurs at a position that is conserved in mammals, and missense variants in nearby residues (L353P; V354A/G) have been reported in the Human Gene Mutation Database in association with limb girdle muscular dystrophy (Stenson et al., 2014). However, in silico analysis is inconsistent in its predictions as to whether or not the variant is damaging to the protein structure/function.